The following is an entry in ClinVar:

ClinVar aggregate classification (germline): Likely benign. Review status: criteria provided, multiple submitters, no conflicts (2 of 4 stars). 2 submissions from 2 submitters: Likely benign (2). Last evaluated 2025-02-28.

Allele frequency attached by ClinVar (database versions not stated): ExAC 0.00002; TOPMed 0.00004; gnomAD exomes 0.00006 and 0.00011; gnomAD 0.00007 and 0.00008.
gnomAD v4.1: 172 of 1,614,020 alleles (0.011%); highest among the groups gnomAD compares: Non-Finnish European, 0.014%; no homozygotes.

Submissions (2):

Labcorp Genetics (formerly Invitae), Labcorp
Classification: Likely benign. Last evaluated: 2025-02-28. Review status: criteria provided, single submitter. Criteria: Invitae Variant Classification Sherloc (09022015). Collection method: clinical testing. Allele origin: germline.

CeGaT Center for Human Genetics Tuebingen
Classification: Likely benign. Last evaluated: 2024-08-01. Review status: criteria provided, single submitter. Criteria: CeGaT Center For Human Genetics Tuebingen Variant Classification Criteria Version 2. Collection method: clinical testing. Allele origin: germline. Affected: yes. Observed: 1 variant allele.
Comment: CD40: BP4, BP7

NM_001250.6(CD40):c.702G>A (p.Gln234=)

Gene: CD40 (CD40 molecule; plus strand). Cytogenetic location: 20q13.12.
Variant type: single nucleotide variant.
Coding change: c.702G>A on transcript NM_001250.6 (MANE Select); coding-DNA position 702, G replaced by A.
Protein change: p.Gln234=; no amino-acid change (glutamine 234 retained).
Molecular consequence: synonymous variant. On other transcripts: 3 prime UTR variant (3), non-coding transcript variant (2).
Genome position (GRCh38, 1-based): chr20:46,128,908, G>A. VCF-style: chr20-46128908-G-A. GRCh37 (hg19) VCF-style: chr20-44757547-G-A.
Other names: c.*28G>A (NM_001302753.2, NM_001362758.2, NM_152854.4); c.714G>A, p.Gln238= (NM_001322421.2); c.546G>A, p.Gln182= (NM_001322422.2).
Identifiers: ClinVar variation 1417657 (VCV001417657.24), dbSNP rs561338230, ClinGen allele CA9888655.